The following is an entry in ClinVar:

ClinVar aggregate classification (germline): Likely benign. Review status: criteria provided, multiple submitters, no conflicts (2 of 4 stars). 3 submissions from 3 submitters: Likely benign (3). Last evaluated 2025-11-05.

Conditions:
TTN-related disorder. Also called: TTN-related disorders; TTN-related condition; TTN-related disease.
Cardiovascular phenotype. Identifiers: MedGen CN230736.
Autosomal recessive limb-girdle muscular dystrophy type 2J (LGMDR10). Also called: MUSCULAR DYSTROPHY, LIMB-GIRDLE, AUTOSOMAL RECESSIVE 10; Limb-girdle muscular dystrophy, type 2J. Identifiers: Orphanet 140922, MedGen C1837342, MONDO:0012127, OMIM 608807.
Dilated cardiomyopathy 1G (CMD1G). Identifiers: Orphanet 154, MedGen C1858763, MONDO:0011400, OMIM 604145.

Allele frequency attached by ClinVar (database versions not stated): TOPMed 0.00002; gnomAD exomes below 0.00001; gnomAD 0.00001.
gnomAD v4.1: 7 of 1,612,332 alleles (0.00043%); highest among the groups gnomAD compares: African/African-American, 0.0067%; no homozygotes.

Submissions (3):

PreventionGenetics, part of Exact Sciences
Classification: Likely benign for TTN-related condition. Last evaluated: 2025-11-05. Review status: criteria provided, single submitter. Criteria: ACMG Guidelines, 2015. Collection method: clinical testing. Allele origin: germline.
Comment: This variant is classified as likely benign based on ACMG/AMP sequence variant interpretation guidelines (Richards et al. 2015 PMID: 25741868, with internal and published modifications).

Labcorp Genetics (formerly Invitae), Labcorp
Classification: Likely benign for Dilated cardiomyopathy 1G; Autosomal recessive limb-girdle muscular dystrophy type 2J. Last evaluated: 2024-05-26. Review status: criteria provided, single submitter. Criteria: Invitae Variant Classification Sherloc (09022015). Collection method: clinical testing. Allele origin: germline.

Ambry Genetics
Classification: Likely benign for Cardiovascular phenotype. Last evaluated: 2020-11-09. Review status: criteria provided, single submitter. Criteria: Ambry Variant Classification Scheme 2023. Collection method: clinical testing. Allele origin: germline.

NM_001267550.2(TTN):c.78462T>C (p.Thr26154=)

Genes: TTN-AS1 (TTN antisense RNA 1; plus strand), TTN (titin; minus strand). Cytogenetic location: 2q31.2.
Variant type: single nucleotide variant.
Coding change: c.78462T>C on transcript NM_001267550.2 (MANE Select); coding-DNA position 78462, T replaced by C.
Protein change: p.Thr26154=; no amino-acid change (threonine 26154 retained).
Molecular consequence: synonymous variant.
Genome position (GRCh38, 1-based): chr2:178,567,670, A>G on the plus strand (T>C on the coding strand, the complement: TTN is on the minus strand). VCF-style: chr2-178567670-A-G. GRCh37 (hg19) VCF-style: chr2-179432397-A-G.
Other names: c.73539T>C, p.Thr24513= (NM_001256850.1); c.51267T>C, p.Thr17089= (NM_003319.4); c.70758T>C, p.Thr23586= (NM_133378.4); c.51642T>C, p.Thr17214= (NM_133432.3); c.51843T>C, p.Thr17281= (NM_133437.4).
Identifiers: ClinVar variation 1630270 (VCV001630270.11), dbSNP rs1359190189, ClinGen allele CA430253305.
Genomic context (GRCh38, chr2:178,567,670, plus strand): 5'-TTTACTTATTGCACCAGCTGCATTCTTTGCAATGACTCTGAATTCATATCTTTGATCTTC[A>G]GTAAGACCTGACACAGTAAATTGAGTTTCAATGACATTTGTAAAGCTAGCTTTCATCCAA-3'
Protein context (NP_001254479.2, residues 26144-26164): IETQFTVSGL[Thr26154=]EDQRYEFRVI